The following is an entry in ClinVar:

ClinVar aggregate classification (germline): Conflicting classifications of pathogenicity. Review status: criteria provided, conflicting classifications (1 of 4 stars). 2 submissions from 2 submitters: Uncertain significance (1); Likely benign (1). Last evaluated 2024-08-08.

Conditions:
Von Hippel-Lindau syndrome (VHLS). Also called: Von Hippel-Lindau; von Hippel–Lindau syndrome; VHL syndrome. Identifiers: Orphanet 892, MedGen C0019562, MONDO:0008667, OMIM 193300. Disease mechanism: loss of function.

Allele frequency attached by ClinVar (database versions not stated): TOPMed 0.00001.
gnomAD v4.1: 15 of 1,536,818 alleles (0.00098%); highest among the groups gnomAD compares: East Asian, 0.027%; no homozygotes.

Submissions (2):

Myriad Genetics, Inc.
Classification: Likely benign for Von Hippel-Lindau syndrome. Last evaluated: 2024-08-08. Review status: criteria provided, single submitter. Criteria: Myriad Autosomal Dominant, Autosomal Recessive and X-Linked Classification Criteria (2023). Collection method: clinical testing. Allele origin: unknown.
Comment: This variant is considered likely benign. This variant has been observed at a population frequency that is significantly greater than expected given the associated disease prevalence and penetrance.

All of Us Research Program, National Institutes of Health
Classification: Uncertain significance for Von Hippel-Lindau syndrome. Last evaluated: 2023-10-23. Review status: criteria provided, single submitter. Criteria: ACMG Guidelines, 2015. Collection method: clinical testing. Allele origin: germline. Inheritance: Autosomal dominant inheritance. Observed: 1 variant allele, 1 heterozygote.
Comment: This variant causes a G to C nucleotide substitution at the -13 position of the 5' untranslated region in the VHL gene. To our knowledge, functional studies have not been reported for this variant. This variant has not been reported in individuals affected with VHL-related disorders in the literature. This variant has been identified in 5/136376 chromosomes in the general population by the Genome Aggregation Database (gnomAD). The available evidence is insufficient to determine the role of this variant in disease conclusively. Therefore, this variant is classified as a Variant of Uncertain Significance.

This study involves interpretation of variants in research participants for the purpose of population health screening. Participant phenotype was not available at the time of variant classification. Additional details can be found in publication PMID: 35346344, PMCID: PMC8962531

NM_000551.4(VHL):c.-13G>C

Gene: VHL (von Hippel-Lindau tumor suppressor; plus strand). Cytogenetic location: 3p25.3.
Variant type: single nucleotide variant.
Coding change: c.-13G>C on transcript NM_000551.4 (MANE Select); 13 bases upstream of the start codon, G replaced by C.
Molecular consequence: 5 prime UTR variant. On other transcripts: non-coding transcript variant (1).
Genome position (GRCh38, 1-based): chr3:10,141,835, G>C. VCF-style: chr3-10141835-G-C. GRCh37 (hg19) VCF-style: chr3-10183519-G-C.
Other names: c.-13G>C (NM_001354723.2, NM_198156.3).
Identifiers: ClinVar variation 3074056 (VCV003074056.2), dbSNP rs1057522448, ClinGen allele CA541213511.
Genomic context (GRCh38, chr3:10,141,835, plus strand): 5'-CACGCAGCTCCGCCCCGCGTCCGACCCGCGGATCCCGCGGCGTCCGGCCCGGGTGGTCTG[G>C]ATCGCGGAGGGAATGCCCCGGAGGGCGGAGAACTGGGACGAGGCCGAGGTAGGCGCGGAG-3'